The following is an entry in ClinVar:

NM_000123.4(ERCC5):c.1587T>C (p.Cys529=)

Genes: BIVM-ERCC5 (BIVM-ERCC5 readthrough; plus strand), ERCC5 (ERCC excision repair 5, endonuclease; plus strand). Cytogenetic location: 13q33.1.
Variant type: single nucleotide variant.
Coding change: c.1587T>C on transcript NM_000123.4 (MANE Select); coding-DNA position 1587, T replaced by C.
Protein change: p.Cys529=; no amino-acid change (cysteine 529 retained).
Molecular consequence: synonymous variant.
Genome position (GRCh38, 1-based): chr13:102,862,736, T>C. VCF-style: chr13-102862736-T-C. GRCh37 (hg19) VCF-style: chr13-103515086-T-C.
Other names: c.2949T>C, p.Cys983= (NM_001204425.2).
Identifiers: ClinVar variation 724775 (VCV000724775.26), dbSNP rs189067487, ClinGen allele CA7041438.

ClinVar aggregate classification (germline): Likely benign. Review status: criteria provided, multiple submitters, no conflicts (2 of 4 stars). 3 submissions from 3 submitters: Likely benign (3). Last evaluated 2025-11-01.

Allele frequency attached by ClinVar (database versions not stated): ExAC 0.00002; gnomAD exomes 0.00003 and 0.00005; TOPMed 0.00003; gnomAD 0.00004 and 0.00005; ESP Exome Variant Server 0.00008.
gnomAD v4.1: 77 of 1,614,126 alleles (0.0048%); highest among the groups gnomAD compares: Non-Finnish European, 0.0061%; no homozygotes.

Submissions (3):

CeGaT Center for Human Genetics Tuebingen
Classification: Likely benign. Last evaluated: 2025-11-01. Review status: criteria provided, single submitter. Criteria: CeGaT Center For Human Genetics Tuebingen Variant Classification Criteria Version 2. Collection method: clinical testing. Allele origin: germline. Affected: yes. Observed: 4 variant alleles.
Comment: ERCC5: BP4, BP7

Blueprint Genetics
Classification: Likely benign. Last evaluated: 2024-07-17. Review status: criteria provided, single submitter. Criteria: ACMG Guidelines, 2015. Collection method: clinical testing. Allele origin: germline.

Labcorp Genetics (formerly Invitae), Labcorp
Classification: Likely benign. Last evaluated: 2017-11-20. Review status: criteria provided, single submitter. Criteria: Invitae Variant Classification Sherloc (09022015). Collection method: clinical testing. Allele origin: germline.